The following is an entry in ClinVar:

ClinVar aggregate classification (germline): Uncertain significance (1 of 4 stars; one submission).

Allele frequency attached by ClinVar (database versions not stated): gnomAD exomes below 0.00001; ExAC 0.00001.
gnomAD v4.1: 1 of 1,613,376 alleles (0.000062%); highest among the groups gnomAD compares: Non-Finnish European, 0.000085%; no homozygotes.

Submission:

Labcorp Genetics (formerly Invitae), Labcorp
Classification: Uncertain significance. Last evaluated: 2025-04-22. Review status: criteria provided, single submitter. Criteria: Invitae Variant Classification Sherloc (09022015). Collection method: clinical testing. Allele origin: germline.
Comment: This sequence change replaces methionine, which is neutral and non-polar, with valine, which is neutral and non-polar, at codon 387 of the PUS1 protein (p.Met387Val). This variant is present in population databases (rs766344359, gnomAD 0.0009%). This variant has not been reported in the literature in individuals affected with PUS1-related conditions. ClinVar contains an entry for this variant (Variation ID: 2058929). Invitae Evidence Modeling of protein sequence and biophysical properties (such as structural, functional, and spatial information, amino acid conservation, physicochemical variation, residue mobility, and thermodynamic stability) has been performed for this missense variant. However, the output from this modeling did not meet the statistical confidence thresholds required to predict the impact of this variant on PUS1 protein function. In summary, the available evidence is currently insufficient to determine the role of this variant in disease. Therefore, it has been classified as a Variant of Uncertain Significance.

NM_025215.6(PUS1):c.1159A>G (p.Met387Val)

Gene: PUS1 (pseudouridine synthase 1; plus strand). Cytogenetic location: 12q24.33.
Variant type: single nucleotide variant.
Coding change: c.1159A>G on transcript NM_025215.6 (MANE Select); coding-DNA position 1159, A replaced by G.
Protein change: p.Met387Val; replaces methionine 387 with valine.
Molecular consequence: missense variant.
Genome position (GRCh38, 1-based): chr12:131,941,906, A>G. VCF-style: chr12-131941906-A-G. GRCh37 (hg19) VCF-style: chr12-132426451-A-G.
Other names: c.1075A>G, p.Met359Val (NM_001002019.3, NM_001002020.3); short protein forms M359V, M387V.
Identifiers: ClinVar variation 2058929 (VCV002058929.2), dbSNP rs766344359, ClinGen allele CA6884336.
Genomic context (GRCh38, chr12:131,941,906, plus strand): 5'-GCCTTCAAGGAGGAGCACATCTACCCCACCATCATCGGCACCGAGCGGGACGAACGCTCC[A>G]TGGCCCAGTGGCTGAGCACCTTGCCCATCCACAACTTCAGTGCCACCGCTCTCACGGCAG-3'
Protein context (NP_079491.2, residues 377-397): IIGTERDERS[Met387Val]AQWLSTLPIH